The following is an entry in ClinVar:

ClinVar aggregate classification (germline): Likely benign. Review status: criteria provided, single submitter (1 of 4 stars). 2 submissions from 2 submitters: Likely benign (1). 1 of the submissions does not count toward it. Last evaluated 2024-09-11.

Conditions:
VPS13B-related disorder. Also called: VPS13B-related condition.
Cohen syndrome (COH1). Also called: Cutis verticis gyrata, retinitis pigmentosa, and sensorineural deafness; PEPPER SYNDROME. Identifiers: Orphanet 193, MedGen C0265223, MONDO:0008999, OMIM 216550.

Allele frequency attached by ClinVar (database versions not stated): gnomAD exomes 0.00001.
gnomAD v4.1: 10 of 1,610,880 alleles (0.00062%); highest among the groups gnomAD compares: Admixed American, 0.0017%; no homozygotes.

Submissions (2):

Labcorp Genetics (formerly Invitae), Labcorp
Classification: Likely benign for Cohen syndrome. Last evaluated: 2024-09-11. Review status: criteria provided, single submitter. Criteria: Invitae Variant Classification Sherloc (09022015). Collection method: clinical testing. Allele origin: germline.

PreventionGenetics, part of Exact Sciences
Classification: Likely benign for VPS13B-related condition. Last evaluated: 2022-05-04. Review status: no assertion criteria provided. Collection method: clinical testing. Allele origin: germline. Not counted in ClinVar's aggregate classification.
Comment: This variant is classified as likely benign based on ACMG/AMP sequence variant interpretation guidelines (Richards et al. 2015 PMID: 25741868, with internal and published modifications).

NM_152564.5(VPS13B):c.938-7T>C

Gene: VPS13B (vacuolar protein sorting 13 homolog B; plus strand). Cytogenetic location: 8q22.2.
Variant type: single nucleotide variant.
Coding change: c.938-7T>C on transcript NM_152564.5 (MANE Select); 7 bases into the intron before coding-DNA position 938, T replaced by C.
Molecular consequence: intron variant.
Genome position (GRCh38, 1-based): chr8:99,121,170, T>C. VCF-style: chr8-99121170-T-C. GRCh37 (hg19) VCF-style: chr8-100133398-T-C.
Other names: c.938-7T>C (NM_017890.5, NM_015243.3, NM_181661.3 and 1 more transcripts).
Identifiers: ClinVar variation 1113898 (VCV001113898.11), dbSNP rs200067547, ClinGen allele CA583847864.